The following is an entry in ClinVar:

ClinVar aggregate classification (germline): Uncertain significance. Review status: criteria provided, multiple submitters, no conflicts (2 of 4 stars). 2 submissions from 2 submitters: Uncertain significance (2). Last evaluated 2024-04-25.

Conditions:
Hereditary cancer-predisposing syndrome. Also called: Neoplastic Syndromes, Hereditary; Tumor predisposition; Hereditary Cancer Syndrome; Hereditary neoplastic syndrome. Identifiers: Orphanet 140162, MedGen C0027672, MeSH D009386, MONDO:0015356.
Gastrointestinal stromal tumor. Also called: Gastrointestinal stromal tumor, somatic; Gastrointestinal stroma tumor. Identifiers: Orphanet 44890, MedGen C0238198, MeSH D046152, MONDO:0011719, OMIM 606764, HP:0100723.

gnomAD v4.1: 1 of 1,613,894 alleles (0.000062%); highest among the groups gnomAD compares: Non-Finnish European, 0.000085%; no homozygotes.

Submissions (2):

Labcorp Genetics (formerly Invitae), Labcorp
Classification: Uncertain significance for Gastrointestinal stromal tumor. Last evaluated: 2024-04-25. Review status: criteria provided, single submitter. Criteria: Invitae Variant Classification Sherloc (09022015). Collection method: clinical testing. Allele origin: germline.
Comment: This sequence change replaces glutamine, which is neutral and polar, with lysine, which is basic and polar, at codon 919 of the KIT protein (p.Gln919Lys). This variant is not present in population databases (gnomAD no frequency). This variant has not been reported in the literature in individuals affected with KIT-related conditions. ClinVar contains an entry for this variant (Variation ID: 1795602). An algorithm developed to predict the effect of missense changes on protein structure and function (PolyPhen-2) suggests that this variant is likely to be tolerated. In summary, the available evidence is currently insufficient to determine the role of this variant in disease. Therefore, it has been classified as a Variant of Uncertain Significance.

Ambry Genetics
Classification: Uncertain significance for Hereditary cancer-predisposing syndrome. Last evaluated: 2021-08-17. Review status: criteria provided, single submitter. Criteria: Ambry Variant Classification Scheme 2023. Collection method: clinical testing. Allele origin: germline.
Comment: The p.Q919K variant (also known as c.2755C>A), located in coding exon 20 of the KIT gene, results from a C to A substitution at nucleotide position 2755. The glutamine at codon 919 is replaced by lysine, an amino acid with similar properties. This amino acid position is conserved. In addition, this alteration is predicted to be tolerated by in silico analysis. Since supporting evidence is limited at this time, the clinical significance of this alteration remains unclear.

NM_000222.3(KIT):c.2755C>A (p.Gln919Lys)

Gene: KIT (KIT proto-oncogene, receptor tyrosine kinase; plus strand). Cytogenetic location: 4q12.
Variant type: single nucleotide variant.
Coding change: c.2755C>A on transcript NM_000222.3 (MANE Select); coding-DNA position 2755, C replaced by A.
Protein change: p.Gln919Lys; replaces glutamine 919 with lysine.
Molecular consequence: missense variant.
Genome position (GRCh38, 1-based): chr4:54,737,233, C>A. VCF-style: chr4-54737233-C-A. GRCh37 (hg19) VCF-style: chr4-55603399-C-A.
Other names: c.2743C>A, p.Gln915Lys (NM_001093772.2, NM_001385292.1); c.2758C>A, p.Gln920Lys (NM_001385284.1); c.2752C>A, p.Gln918Lys (NM_001385285.1); c.2740C>A, p.Gln914Lys (NM_001385286.1); c.2746C>A, p.Gln916Lys (NM_001385288.1); c.2755C>A, p.Gln919Lys (NM_001385290.1); short protein forms Q916K, Q919K, Q914K, Q915K, Q918K, Q920K.
Identifiers: ClinVar variation 1795602 (VCV001795602.4), dbSNP rs2109813983, ClinGen allele CA356914424.